The following is an entry in ClinVar:

NM_012470.4(TNPO3):c.2426A>G (p.Asn809Ser)

Gene: TNPO3 (transportin 3; minus strand). Cytogenetic location: 7q32.1.
Variant type: single nucleotide variant.
Coding change: c.2426A>G on transcript NM_012470.4 (MANE Select); coding-DNA position 2426, A replaced by G.
Protein change: p.Asn809Ser; replaces asparagine 809 with serine.
Molecular consequence: missense variant. On other transcripts: non-coding transcript variant (18).
Genome position (GRCh38, 1-based): chr7:128,972,430, T>C on the plus strand (A>G on the coding strand, the complement: TNPO3 is on the minus strand). VCF-style: chr7-128972430-T-C. GRCh37 (hg19) VCF-style: chr7-128612484-T-C.
Other names: c.2234A>G, p.Asn745Ser (NM_001191028.3, NM_001382223.1); c.2528A>G, p.Asn843Ser (NM_001382216.1); c.2507A>G, p.Asn836Ser (NM_001382217.1); c.2426A>G, p.Asn809Ser (NM_001382218.1); c.2318A>G, p.Asn773Ser (NM_001382219.1); c.2285A>G, p.Asn762Ser (NM_001382220.1); c.2282A>G, p.Asn761Ser (NM_001382221.1); c.2279A>G, p.Asn760Ser (NM_001382222.1); short protein forms N809S, N745S, N760S, N761S, N762S, N773S, N836S, N843S.
Identifiers: ClinVar variation 566284 (VCV000566284.9), dbSNP rs1002747651, ClinGen allele CA166244407.

ClinVar aggregate classification (germline): Uncertain significance (1 of 4 stars; one submission).

Conditions:
Autosomal dominant limb-girdle muscular dystrophy type 1F (LGMDD2). Also called: Limb-girdle muscular dystrophy, type 1F; MUSCULAR DYSTROPHY, LIMB-GIRDLE, AUTOSOMAL DOMINANT 2. Identifiers: Orphanet 55595, MedGen C1842062, MONDO:0012034, OMIM 608423.

Allele frequency attached by ClinVar (database versions not stated): gnomAD 0.00001; gnomAD exomes 0.00001; TOPMed 0.00001.
gnomAD v4.1: 11 of 1,609,736 alleles (0.00068%); highest among the groups gnomAD compares: Admixed American, 0.0051%; no homozygotes.

Submission:

Labcorp Genetics (formerly Invitae), Labcorp
Classification: Uncertain significance for Autosomal dominant limb-girdle muscular dystrophy type 1F. Last evaluated: 2023-07-28. Review status: criteria provided, single submitter. Criteria: Invitae Variant Classification Sherloc (09022015). Collection method: clinical testing. Allele origin: germline.
Comment: Advanced modeling of protein sequence and biophysical properties (such as structural, functional, and spatial information, amino acid conservation, physicochemical variation, residue mobility, and thermodynamic stability) performed at Invitae indicates that this missense variant is not expected to disrupt TNPO3 protein function. ClinVar contains an entry for this variant (Variation ID: 566284). This variant has not been reported in the literature in individuals affected with TNPO3-related conditions. This variant is not present in population databases (gnomAD no frequency). In summary, the available evidence is currently insufficient to determine the role of this variant in disease. Therefore, it has been classified as a Variant of Uncertain Significance. This sequence change replaces asparagine, which is neutral and polar, with serine, which is neutral and polar, at codon 809 of the TNPO3 protein (p.Asn809Ser).